The following is an entry in ClinVar:

Conditions:
Breast-ovarian cancer, familial, susceptibility to, 1 (BROVCA1). Also called: BRCA1 Hereditary Breast and Ovarian Cancer; OVARIAN CANCER, SUSCEPTIBILITY TO. Identifiers: Orphanet 145, MedGen C2676676, MONDO:0011450, OMIM 604370. Disease mechanism: loss of function.

Submission:

Brotman Baty Institute, University of Washington
No classification provided (evidence only). Condition: Breast-ovarian cancer, familial 1. Review status: no classification provided. Collection method: in vitro. Allele origin: not applicable. Functional consequence: functionally_normal.
ClinVar note: "not provided" was previously submitted as the classification for the variant. However, the classification appeared to be based only on an observation of functional data so it was converted to no classification on 2025-07-30.

NM_007294.4(BRCA1):c.5499G>A (p.Val1833=)

Gene: BRCA1 (BRCA1 DNA repair associated; minus strand). Cytogenetic location: 17q21.31.
Variant type: single nucleotide variant.
Coding change: c.5499G>A on transcript NM_007294.4 (MANE Select); coding-DNA position 5499, G replaced by A.
Protein change: p.Val1833=; no amino-acid change (valine 1833 retained).
Molecular consequence: synonymous variant. On other transcripts: 3 prime UTR variant (17).
Genome position (GRCh38, 1-based): chr17:43,045,771, C>T on the plus strand (G>A on the coding strand, the complement: BRCA1 is on the minus strand). VCF-style: chr17-43045771-C-T. GRCh37 (hg19) VCF-style: chr17-41197788-C-T.
Other names: c.5490G>A, p.Val1830= (NM_001407644.1, NM_001407645.1); c.5487G>A, p.Val1829= (NM_001407646.1); c.5484G>A, p.Val1828= (NM_001407647.1); c.5442G>A, p.Val1814= (NM_001407648.1); c.5439G>A, p.Val1813= (NM_001407649.1); c.5421G>A, p.Val1807= (NM_001407652.1, NM_001407653.1, NM_001407654.1 and 1 more transcripts); c.5418G>A, p.Val1806= (NM_001407656.1, NM_001407657.1, NM_001407658.1); c.5415G>A, p.Val1805= (NM_001407659.1, NM_001407660.1, NM_001407661.1 and 2 more transcripts); and 74 more.
Identifiers: ClinVar variation 868597 (VCV000868597.3), dbSNP rs2050880700, ClinGen allele CA500142920.